The following is an entry in ClinVar:

NM_005883.3(APC2):c.4273A>T (p.Arg1425Trp)

Gene: APC2 (APC regulator of WNT signaling pathway 2; plus strand). Cytogenetic location: 19p13.3.
Variant type: single nucleotide variant.
Coding change: c.4273A>T on transcript NM_005883.3 (MANE Select); coding-DNA position 4273, A replaced by T.
Protein change: p.Arg1425Trp; replaces arginine 1425 with tryptophan.
Molecular consequence: missense variant.
Genome position (GRCh38, 1-based): chr19:1,467,574, A>T. VCF-style: chr19-1467574-A-T. GRCh37 (hg19) VCF-style: chr19-1467573-A-T.
Other names: c.4270A>T, p.Arg1424Trp (NM_001351273.1); short protein forms R1424W, R1425W.
Identifiers: ClinVar variation 3700431 (VCV003700431.1).

ClinVar aggregate classification (germline): Uncertain significance (1 of 4 stars; one submission).

gnomAD v4.1: 35 of 1,510,914 alleles (0.0023%); highest among the groups gnomAD compares: Non-Finnish European, 0.00026%; no homozygotes.

Submission:

Labcorp Genetics (formerly Invitae), Labcorp
Classification: Uncertain significance. Last evaluated: 2024-11-27. Review status: criteria provided, single submitter. Criteria: Invitae Variant Classification Sherloc (09022015). Collection method: clinical testing. Allele origin: germline.
Comment: This sequence change replaces arginine, which is basic and polar, with tryptophan, which is neutral and slightly polar, at codon 1425 of the APC2 protein (p.Arg1425Trp). This variant is present in population databases (rs766743498, gnomAD 0.1%). This variant has not been reported in the literature in individuals affected with APC2-related conditions. Invitae Evidence Modeling of protein sequence and biophysical properties (such as structural, functional, and spatial information, amino acid conservation, physicochemical variation, residue mobility, and thermodynamic stability) indicates that this missense variant is not expected to disrupt APC2 protein function with a negative predictive value of 80%. In summary, the available evidence is currently insufficient to determine the role of this variant in disease. Therefore, it has been classified as a Variant of Uncertain Significance.